The following continues an entry in ClinVar:

NM_032043.3(BRIP1):c.3196del (p.Ser1066fs)

Gene: BRIP1. ClinVar aggregate classification (germline): Conflicting classifications of pathogenicity. Pathogenic (2); Likely pathogenic (4); Uncertain significance (3).

Submissions 9 to 10 of 10:

Women's Health and Genetics/Laboratory Corporation of America, LabCorp
Classification: Likely pathogenic for Hereditary breast ovarian cancer syndrome. Last evaluated: 2021-05-29. Review status: criteria provided, single submitter. Criteria: LabCorp Variant Classification Summary - May 2015. Collection method: clinical testing. Allele origin: germline.
Comment: Variant summary: BRIP1 c.3196delT (p.Ser1066HisfsX12) results in a premature termination codon in the last exon of the encoded mRNA, therefore it is not expected to result in nonsense mediated decay (NMD), but is predicted to cause a truncation of the encoded protein. No truncations downstream of this position were classified as pathogenic by our laboratory. The variant allele was found at a frequency of 2.5e-05 in 282816 control chromosomes, exclusively observed within the African or African-American subpopulation, at a frequency of 0.00028 (i.e. 7/24958 alleles) in the gnomAD database. In addition, this variant has also been reported in 1/2559 African American woman who was older than age 70 and cancer free (in the FLOSSIES database). c.3196delT has been reported in the literature in individuals of African ancestry, who were affected with breast cancer (example, Tung_2014, Zheng_2018, Slavin_2019). However, large-scale meta-analyses found that although BRIP1 mutations may confer risk for familial ovarian cancer, but not associated with increased risk for familial breast cancer (Weber-Lassale_2018, Suszynska_2018); therefore these reports do not allow any conclusions about variant significance. At-least one co-occurrence with another pathogenic variant has been observed at our laboratory (BRCA1 c.213-11T>G). Co-occurring pathogenic variants in different genes have been reported in cancer cases, thus this is not considered to weight as evidence supporting a benign impact of this variant. To our knowledge, no experimental evidence demonstrating an impact on protein function has been reported for this variant. Though this truncation does not affect any known domains, in vitro studies have implicated a functional role for the region downstream of this variant in RPA phosphorylation in response to replication stress (i.e. following treatment with some DNA damaging agents) (example, Gong_2010, Xie_2012), however the contribution of these functional effects to the disease pathology remains uncertain. Five clinical diagnostic laboratories have submitted clinical-significance assessments for this variant to ClinVar after 2014, and four of them classified the variant as likely pathogenic, while one reports a VUS classification. Some submitters cite overlapping evidence utilized in the context of this evaluation. Based on reports of its presence in patients with breast cancer (example, Zheng_2018, Slavin_2019), until additional clinical and functional evidence becomes available, the variant was classified as likely pathogenic.

Counsyl
Classification: Likely pathogenic for Fanconi anemia complementation group J; Ovarian cancer. Last evaluated: 2017-06-01. Review status: no assertion criteria provided. Collection method: clinical testing. Allele origin: unknown. Not counted in ClinVar's aggregate classification.

Literature cited by the submitters: PubMed 20159562 (cited by 4 submitters); PubMed 21127055 (cited by 3 submitters); PubMed 25186627 (cited by 6 submitters); PubMed 26689913 (cited by 3 submitters); PubMed 28452373 (cited by 4 submitters); PubMed 30130155 (cited by 4 submitters); PubMed 30728895 (cited by 5 submitters); PubMed 33646313 (cited by 3 submitters); PubMed 22792074 (cited by 3 submitters); PubMed 18628483 (cited by Institute for Genomic Medicine (IGM) Clinical Laboratory, Nationwide Children's Hospital); PubMed 21345144 (cited by Institute for Genomic Medicine (IGM) Clinical Laboratory, Nationwide Children's Hospital); PubMed 29368626 (cited by Institute for Genomic Medicine (IGM) Clinical Laboratory, Nationwide Children's Hospital).